The following is an entry in ClinVar:

NM_001204.7(BMPR2):c.1622G>T (p.Gly541Val)

Gene: BMPR2 (bone morphogenetic protein receptor type 2; plus strand). Cytogenetic location: 2q33.2.
Variant type: single nucleotide variant.
Coding change: c.1622G>T on transcript NM_001204.7 (MANE Select); coding-DNA position 1622, G replaced by T.
Protein change: p.Gly541Val; replaces glycine 541 with valine.
Molecular consequence: missense variant.
Genome position (GRCh38, 1-based): chr2:202,555,287, G>T. VCF-style: chr2-202555287-G-T. GRCh37 (hg19) VCF-style: chr2-203420010-G-T.
Other names: short protein forms G541V.
Identifiers: ClinVar variation 4867663 (VCV004867663.1).

ClinVar aggregate classification (germline): Uncertain significance (1 of 4 stars; one submission).

Conditions:
Inborn genetic diseases. Identifiers: MedGen C0950123, MeSH D030342.

gnomAD v4.1: 3 of 1,614,016 alleles (0.00019%); highest among the groups gnomAD compares: Non-Finnish European, 0.00025%; no homozygotes.

Submission:

Ambry Genetics
Classification: Uncertain significance for Inborn genetic diseases. Last evaluated: 2026-06-14. Review status: criteria provided, single submitter. Criteria: Ambry Variant Classification Scheme 2023. Collection method: clinical testing. Allele origin: germline.
Comment: The p.G541V variant (also known as c.1622G>T), located in coding exon 12 of the BMPR2 gene, results from a G to T substitution at nucleotide position 1622. The glycine at codon 541 is replaced by valine, an amino acid with dissimilar properties. This amino acid position is conserved. In addition, the in silico prediction for this alteration is inconclusive. Based on the available evidence, the clinical significance of this variant remains unclear.